The following is an entry in ClinVar:

NM_001447.3(FAT2):c.11317+8del

Genes: FAT2 (FAT atypical cadherin 2; minus strand), SLC36A1 (solute carrier family 36 member 1; plus strand). Cytogenetic location: 5q33.1.
Variant type: Deletion.
Coding change: c.11317+8del on transcript NM_001447.3 (MANE Select); 8 bases into the intron after coding-DNA position 11317, one base deleted (C; older notation c.11317+8delC).
Molecular consequence: intron variant.
Genome position (GRCh38, 1-based): chr5:151,521,268, G deleted on the plus strand (C on the coding strand, the reverse complement: FAT2 is on the minus strand). VCF-style (leftmost placement, unchanged base first): chr5-151521267-AG-A. GRCh37 (hg19) VCF-style: chr5-150900828-AG-A.
Identifiers: ClinVar variation 4986645 (VCV004986645.1).

ClinVar aggregate classification (germline): Likely benign (1 of 4 stars; one submission).

Conditions:
FAT2-related disorder. Also called: FAT2-related condition.

Submission:

PreventionGenetics, part of Exact Sciences
Classification: Likely benign for FAT2-related condition. Last evaluated: 2025-01-21. Review status: criteria provided, single submitter. Criteria: ACMG Guidelines, 2015. Collection method: clinical testing. Allele origin: germline.
Comment: This variant is classified as likely benign based on ACMG/AMP sequence variant interpretation guidelines (Richards et al. 2015 PMID: 25741868, with internal and published modifications).